The following is an entry in ClinVar:

ClinVar aggregate classification (germline): Uncertain significance (1 of 4 stars; one submission).

Submission:

GeneDx
Classification: Uncertain significance. Last evaluated: 2024-07-22. Review status: criteria provided, single submitter. Criteria: GeneDx Variant Classification Process June 2021. Collection method: clinical testing. Allele origin: germline. Affected: yes.
Comment: Not observed at significant frequency in large population cohorts (gnomAD); In silico analysis indicates that this missense variant does not alter protein structure/function; Has not been previously published as pathogenic or benign to our knowledge; Also known as 276G>C

NM_000059.4(BRCA2):c.48G>C (p.Lys16Asn)

Gene: BRCA2 (BRCA2 DNA repair associated; plus strand). Cytogenetic location: 13q13.1.
Variant type: single nucleotide variant.
Coding change: c.48G>C on transcript NM_000059.4 (MANE Select); coding-DNA position 48, G replaced by C.
Protein change: p.Lys16Asn; replaces lysine 16 with asparagine.
Molecular consequence: missense variant. On other transcripts: non-coding transcript variant (1), intron variant (1).
Genome position (GRCh38, 1-based): chr13:32,316,508, G>C. VCF-style: chr13-32316508-G-C. GRCh37 (hg19) VCF-style: chr13-32890645-G-C.
Other names: c.48G>C, p.Lys16Asn (NM_001406719.1, NM_001406720.1, NM_001406721.1 and 1 more transcripts); c.-303+841G>C (NM_001406722.1); short protein forms K16N.
Identifiers: ClinVar variation 3600741 (VCV003600741.1).
Genomic context (GRCh38, chr13:32,316,508, plus strand): 5'-ATCGTAGGTAAAAATGCCTATTGGATCCAAAGAGAGGCCAACATTTTTTGAAATTTTTAA[G>C]ACACGCTGCAACAAAGCAGGTATTGACAAATTTTATATAACTTTATAAATTACACCGAGA-3'
Protein context (NP_000050.3, residues 6-26): KERPTFFEIF[Lys16Asn]TRCNKADLGP